The following is an entry in ClinVar:

ClinVar aggregate classification (germline): Conflicting classifications of pathogenicity. Review status: criteria provided, conflicting classifications (1 of 4 stars). 9 submissions from 9 submitters: Uncertain significance (1); Benign (1); Likely benign (7). Last evaluated 2026-03-01.

Conditions:
Cardiovascular phenotype. Identifiers: MedGen CN230736.
DiGeorge syndrome. Also called: THIRD AND FOURTH PHARYNGEAL POUCH SYNDROME; Catch22. Identifiers: Orphanet 567, MedGen C0012236, MONDO:0008564, OMIM 188400.
TBX1-related disorder. Also called: TBX1-Related Disorders; TBX1-related condition.
Conotruncal heart malformations (CTHM). Also called: Conotruncal heart malformations, variable. Identifiers: Orphanet 2445, Orphanet 3384, Orphanet 3426, MedGen C1857586, MONDO:0016581, OMIM 217095.
Velocardiofacial syndrome (VCFS). Also called: Shprintzen syndrome; VCF SYNDROME; SHPRINTZEN VCF SYNDROME. Identifiers: Orphanet 567, MedGen C0220704, MONDO:0008644, OMIM 192430. Disease mechanism: loss of function.
Tetralogy of Fallot (TOF). Identifiers: Orphanet 3303, MedGen C0039685, MONDO:0008542, OMIM 187500, HP:0001636.

Allele frequency attached by ClinVar (database versions not stated): ExAC below 0.00001; 1000 Genomes Project 30x 0.00016; TOPMed 0.00057.
gnomAD v4.1: 1,096 of 1,344,702 alleles (0.082%); highest among the groups gnomAD compares: Non-Finnish European, 0.099%; no homozygotes.

Submissions (9):

CeGaT Center for Human Genetics Tuebingen
Classification: Benign. Last evaluated: 2026-03-01. Review status: criteria provided, single submitter. Criteria: CeGaT Center For Human Genetics Tuebingen Variant Classification Criteria Version 2. Collection method: clinical testing. Allele origin: germline. Affected: yes. Observed: 4 variant alleles.
Comment: TBX1: BS1, BS2

Labcorp Genetics (formerly Invitae), Labcorp
Classification: Likely benign for DiGeorge syndrome. Last evaluated: 2026-01-30. Review status: criteria provided, single submitter. Criteria: Invitae Variant Classification Sherloc (09022015). Collection method: clinical testing. Allele origin: germline.

PreventionGenetics, part of Exact Sciences
Classification: Likely benign for TBX1-related condition. Last evaluated: 2025-08-06. Review status: criteria provided, single submitter. Criteria: ACMG Guidelines, 2015. Collection method: clinical testing. Allele origin: germline.
Comment: This variant is classified as likely benign based on ACMG/AMP sequence variant interpretation guidelines (Richards et al. 2015 PMID: 25741868, with internal and published modifications).

Ambry Genetics
Classification: Likely benign for Cardiovascular phenotype. Last evaluated: 2025-06-20. Review status: criteria provided, single submitter. Criteria: Ambry Variant Classification Scheme 2023. Collection method: clinical testing. Allele origin: germline.

Laboratory of Genetics, Children's Clinical University Hospital Latvia
Classification: Likely benign. Last evaluated: 2025-02-16. Review status: criteria provided, single submitter. Criteria: ACMG Guidelines, 2015. Collection method: clinical testing. Allele origin: germline. Affected: yes.

Blueprint Genetics
Classification: Likely benign. Last evaluated: 2024-09-20. Review status: criteria provided, single submitter. Criteria: ACMG Guidelines, 2015. Collection method: clinical testing. Allele origin: germline.

GeneDx
Classification: Likely benign. Last evaluated: 2024-06-15. Review status: criteria provided, single submitter. Criteria: GeneDx Variant Classification Process June 2021. Collection method: clinical testing. Allele origin: germline. Affected: yes.
Comment: See Variant Classification Assertion Criteria.

Women's Health and Genetics/Laboratory Corporation of America, LabCorp
Classification: Likely benign. Last evaluated: 2023-11-30. Review status: criteria provided, single submitter. Criteria: LabCorp Variant Classification Summary - May 2015. Collection method: clinical testing. Allele origin: germline.
Comment: Variant summary: TBX1 c.1049G>A (p.Gly350Asp) results in a non-conservative amino acid change in the encoded protein sequence. Four of five in-silico tools predict a benign effect of the variant on protein function. The variant allele was found at a frequency of 0.00082 (1096 variant alleles) in 1345326 control chromosomes in the gnomAD v4 database. c.1049G>A has been reported in the literature in individuals affected with aortic arch anomalies or congenital heart defects (Gong_2001, Zodanu_2021). These reports do not provide unequivocal conclusions about association of the variant with TBX1-Related Disorders. Although reported in the literature in individuals affected with aortic arch anomalies or congenital heart defects (Gong_2001, Zodanu_2021), to our knowledge no penetrant association of this variant with TBX1-related disorders and no experimental evidence has been reported. The following publications have been ascertained in the context of this evaluation (PMID: 29500247, 11748311, 29250159, 33995479). Five submitters have cited clinical-significance assessments for this variant to ClinVar after 2014 and classified this variant as uncertain significance (n=3) and likely benign (n=2). Based on the evidence outlined above, the variant was classified as likely benign.

Fulgent Genetics
Classification: Uncertain significance for Tetralogy of Fallot; DiGeorge syndrome; Velocardiofacial syndrome; Conotruncal heart malformations. Last evaluated: 2018-10-31. Review status: criteria provided, single submitter. Criteria: ACMG Guidelines, 2015. Collection method: clinical testing. Allele origin: unknown.

Literature cited by the submitters: PubMed 11748311 (cited by Ambry Genetics and Women's Health and Genetics/Laboratory Corporation of America, LabCorp); PubMed 15355425 (cited by Ambry Genetics); PubMed 18375573 (cited by Ambry Genetics); PubMed 29500247 (cited by Women's Health and Genetics/Laboratory Corporation of America, LabCorp); PubMed 29250159 (cited by Women's Health and Genetics/Laboratory Corporation of America, LabCorp); PubMed 33995479 (cited by Women's Health and Genetics/Laboratory Corporation of America, LabCorp).

NM_001379200.1(TBX1):c.1076G>A (p.Gly359Asp)

Gene: TBX1 (T-box transcription factor 1; plus strand). Cytogenetic location: 22q11.21.
Variant type: single nucleotide variant.
Coding change: c.1076G>A on transcript NM_001379200.1 (MANE Select); coding-DNA position 1076, G replaced by A.
Protein change: p.Gly359Asp; replaces glycine 359 with aspartic acid.
Molecular consequence: missense variant. On other transcripts: intron variant (2).
Genome position (GRCh38, 1-based): chr22:19,766,428, G>A. VCF-style: chr22-19766428-G-A. GRCh37 (hg19) VCF-style: chr22-19753951-G-A.
Other names: c.1049G>A, p.Gly350Asp (NM_080647.1); c.1009+426G>A (NM_005992.1, NM_080646.2); short protein forms G350D, G359D.
Identifiers: ClinVar variation 518715 (VCV000518715.61), dbSNP rs781731042, ClinGen allele CA10102660.